The following is an entry in ClinVar:

NM_000245.4(MET):c.2074A>G (p.Ile692Val)

Gene: MET (MET proto-oncogene, receptor tyrosine kinase; plus strand). Cytogenetic location: 7q31.2.
Variant type: single nucleotide variant.
Coding change: c.2074A>G on transcript NM_000245.4 (MANE Select); coding-DNA position 2074, A replaced by G.
Protein change: p.Ile692Val; replaces isoleucine 692 with valine.
Molecular consequence: missense variant.
Genome position (GRCh38, 1-based): chr7:116,757,746, A>G. VCF-style: chr7-116757746-A-G. GRCh37 (hg19) VCF-style: chr7-116397800-A-G.
Other names: c.2074A>G, p.Ile692Val (NM_001127500.3, NM_001324401.3); c.784A>G, p.Ile262Val (NM_001324402.2); short protein forms I262V, I692V.
Identifiers: ClinVar variation 2166647 (VCV002166647.3), dbSNP rs2116924929, ClinGen allele CA368980106.

ClinVar aggregate classification (germline): Uncertain significance. Review status: criteria provided, multiple submitters, no conflicts (2 of 4 stars). 3 submissions from 3 submitters: Uncertain significance (3). Last evaluated 2026-05-23.

Conditions:
Hereditary cancer-predisposing syndrome. Also called: Tumor predisposition; Hereditary Cancer Syndrome; Hereditary neoplastic syndrome; Neoplastic Syndromes, Hereditary. Identifiers: Orphanet 140162, MedGen C0027672, MeSH D009386, MONDO:0015356.
Osteofibrous dysplasia (OSFD). Also called: Tibia, bowing of, with pseudarthrosis and pectus excavatum. Identifiers: Orphanet 488265, MedGen C4085248, MONDO:0011806, OMIM 607278.
Papillary renal cell carcinoma type 1 (RCCP1). Also called: Renal adenocarcinoma; Renal cell carcinoma 1; Renal cell carcinoma, somatic; RENAL CELL CARCINOMA, PAPILLARY, 1, SOMATIC. Identifiers: Orphanet 47044, MedGen C1336839, OMIM 605074, HP:0011797.
Hepatocellular carcinoma (HCC). Also called: Primary carcinoma of liver; HEPATOMA; LIVER CELL CARCINOMA. Identifiers: Orphanet 88673, MedGen C2239176, MONDO:0007256, OMIM 114550, HP:0001402.
Arthrogryposis, distal, IIa 11. Also called: Arthrogryposis, distal, type 11. Identifiers: MedGen C5774205, MONDO:0031045, OMIM 620019.
Autosomal recessive nonsyndromic hearing loss 97. Also called: Deafness, autosomal recessive 97. Identifiers: Orphanet 90636, MedGen C4084709, MONDO:0014739, OMIM 616705.
Renal cell carcinoma. Identifiers: Orphanet 217071, MedGen C0007134, MeSH D002292, MONDO:0005086, HP:0005584.

Submissions (3):

Ambry Genetics
Classification: Uncertain significance for Hereditary cancer-predisposing syndrome. Last evaluated: 2026-05-23. Review status: criteria provided, single submitter. Criteria: Ambry Variant Classification Scheme 2023. Collection method: clinical testing. Allele origin: germline.
Comment: The p.I692V variant (also known as c.2074A>G), located in coding exon 7 of the MET gene, results from an A to G substitution at nucleotide position 2074. The isoleucine at codon 692 is replaced by valine, an amino acid with highly similar properties. This amino acid position is conserved. In addition, this alteration is predicted to be tolerated by in silico analysis. Based on the available evidence, the clinical significance of this variant remains unclear.

Department of Pathology and Laboratory Medicine, Sinai Health System
Classification: Uncertain significance for Hepatocellular carcinoma; Papillary renal cell carcinoma type 1; Osteofibrous dysplasia; Autosomal recessive nonsyndromic hearing loss 97; Arthrogryposis, distal, IIa 11. Last evaluated: 2024-11-22. Review status: criteria provided, single submitter. Criteria: ACMG Guidelines, 2015. Collection method: clinical testing. Allele origin: germline.

Labcorp Genetics (formerly Invitae), Labcorp
Classification: Uncertain significance for Renal cell carcinoma. Last evaluated: 2021-12-15. Review status: criteria provided, single submitter. Criteria: Invitae Variant Classification Sherloc (09022015). Collection method: clinical testing. Allele origin: germline.
Comment: This sequence change replaces isoleucine, which is neutral and non-polar, with valine, which is neutral and non-polar, at codon 692 of the MET protein (p.Ile692Val). This variant is not present in population databases (gnomAD no frequency). This variant has not been reported in the literature in individuals affected with MET-related conditions. Algorithms developed to predict the effect of missense changes on protein structure and function output the following: SIFT: "Tolerated"; PolyPhen-2: "Benign"; Align-GVGD: "Class C0". The valine amino acid residue is found in multiple mammalian species, which suggests that this missense change does not adversely affect protein function. In summary, the available evidence is currently insufficient to determine the role of this variant in disease. Therefore, it has been classified as a Variant of Uncertain Significance.